The following is an entry in ClinVar:

NM_001099274.3(TINF2):c.440T>C (p.Met147Thr)

Gene: TINF2 (TERF1 interacting nuclear factor 2; minus strand). Cytogenetic location: 14q12.
Variant type: single nucleotide variant.
Coding change: c.440T>C on transcript NM_001099274.3 (MANE Select); coding-DNA position 440, T replaced by C.
Protein change: p.Met147Thr; replaces methionine 147 with threonine.
Molecular consequence: missense variant.
Genome position (GRCh38, 1-based): chr14:24,241,271, A>G on the plus strand (T>C on the coding strand, the complement: TINF2 is on the minus strand). VCF-style: chr14-24241271-A-G. GRCh37 (hg19) VCF-style: chr14-24710477-A-G.
Other names: c.335T>C, p.Met112Thr (NM_001363668.2); c.440T>C, p.Met147Thr (NM_012461.3); short protein forms M112T, M147T.
Identifiers: ClinVar variation 3607906 (VCV003607906.2).

ClinVar aggregate classification (germline): Uncertain significance (1 of 4 stars; one submission).

Conditions:
Dyskeratosis congenita. Identifiers: Orphanet 1775, MedGen C0265965, MONDO:0015780.

Submission:

Labcorp Genetics (formerly Invitae), Labcorp
Classification: Uncertain significance for Dyskeratosis congenita. Last evaluated: 2024-11-02. Review status: criteria provided, single submitter. Criteria: Invitae Variant Classification Sherloc (09022015). Collection method: clinical testing. Allele origin: germline.
Comment: This sequence change replaces methionine, which is neutral and non-polar, with threonine, which is neutral and polar, at codon 147 of the TINF2 protein (p.Met147Thr). This variant is not present in population databases (gnomAD no frequency). This variant has not been reported in the literature in individuals affected with TINF2-related conditions. An algorithm developed to predict the effect of missense changes on protein structure and function (PolyPhen-2) suggests that this variant is likely to be tolerated. In summary, the available evidence is currently insufficient to determine the role of this variant in disease. Therefore, it has been classified as a Variant of Uncertain Significance.